The following is an entry in ClinVar:

ClinVar aggregate classification (germline): Uncertain significance (1 of 4 stars; one submission).

Conditions:
Malignant hyperthermia, susceptibility to, 5 (MHS5). Also called: CACNA1S-Related Malignant Hyperthermia Susceptibility. Identifiers: Orphanet 423, MedGen C1866077, MONDO:0011163, OMIM 601887.

Submission:

All of Us Research Program, National Institutes of Health
Classification: Uncertain significance for Malignant hyperthermia, susceptibility to, 5. Last evaluated: 2023-04-10. Review status: criteria provided, single submitter. Criteria: ACMG Guidelines, 2015. Collection method: clinical testing. Allele origin: germline. Inheritance: Autosomal dominant inheritance. Observed: 1 variant allele, 1 heterozygote.
Comment: This missense variant replaces aspartic acid with valine at codon 872 of the CACNA1S protein. Computational prediction suggests that this variant may have deleterious impact on protein structure and function (internally defined REVEL score threshold >= 0.7, PMID: 27666373). To our knowledge, functional studies have not been reported for this variant. This variant has not been reported in individuals affected with CACNA1S-related disorders in the literature. This variant has not been identified in the general population by the Genome Aggregation Database (gnomAD). The available evidence is insufficient to determine the role of this variant in disease conclusively. Therefore, this variant is classified as a Variant of Uncertain Significance.

This study involves interpretation of variants in research participants for the purpose of population health screening. Participant phenotype was not available at the time of variant classification. Additional details can be found in publication PMID: 35346344, PMCID: PMC8962531

NM_000069.3(CACNA1S):c.2615A>T (p.Asp872Val)

Gene: CACNA1S (calcium voltage-gated channel subunit alpha1 S; minus strand). Cytogenetic location: 1q32.1.
Variant type: single nucleotide variant.
Coding change: c.2615A>T on transcript NM_000069.3 (MANE Select); coding-DNA position 2615, A replaced by T.
Protein change: p.Asp872Val; replaces aspartic acid 872 with valine.
Molecular consequence: missense variant.
Genome position (GRCh38, 1-based): chr1:201,066,929, T>A on the plus strand (A>T on the coding strand, the complement: CACNA1S is on the minus strand). VCF-style: chr1-201066929-T-A. GRCh37 (hg19) VCF-style: chr1-201036057-T-A.
Other names: short protein forms D872V.
Identifiers: ClinVar variation 3070447 (VCV003070447.1), dbSNP rs2464524058, ClinGen allele CA344103891.